The following is an entry in ClinVar:

ClinVar aggregate classification (germline): Uncertain significance. Review status: criteria provided, multiple submitters, no conflicts (2 of 4 stars). 2 submissions from 2 submitters: Uncertain significance (2). Last evaluated 2025-10-29.

Conditions:
3-Methylglutaconic aciduria type 3 (MGCA3). Also called: OPA3, AUTOSOMAL RECESSIVE; OPTIC ATROPHY 3, AUTOSOMAL RECESSIVE; OPA3-Related 3-Methylglutaconic Aciduria; Costeff Syndrome. Identifiers: Orphanet 67047, MedGen C0574084, MONDO:0009787, OMIM 258501.
Optic atrophy 3 (OPA3). Also called: OPTIC ATROPHY 3, AUTOSOMAL DOMINANT; Optic atrophy, cataract, and neurologic disorder; Optic atrophy 3 with cataract. Identifiers: Orphanet 67036, MedGen C1833809, MONDO:0008133, OMIM 165300.
Inborn genetic diseases. Identifiers: MedGen C0950123, MeSH D030342.

Allele frequency attached by ClinVar (database versions not stated): TOPMed below 0.00001.
gnomAD v4.1: 5 of 1,609,768 alleles (0.00031%); highest among the groups gnomAD compares: Non-Finnish European, 0.00034%; no homozygotes.

Submissions (2):

Ambry Genetics
Classification: Uncertain significance for Inborn genetic diseases. Last evaluated: 2025-10-29. Review status: criteria provided, single submitter. Criteria: Ambry Variant Classification Scheme 2023. Collection method: clinical testing. Allele origin: germline.

Labcorp Genetics (formerly Invitae), Labcorp
Classification: Uncertain significance for 3-Methylglutaconic aciduria type 3; Optic atrophy 3. Last evaluated: 2023-12-27. Review status: criteria provided, single submitter. Criteria: Invitae Variant Classification Sherloc (09022015). Collection method: clinical testing. Allele origin: germline.
Comment: This sequence change replaces lysine, which is basic and polar, with arginine, which is basic and polar, at codon 57 of the OPA3 protein (p.Lys57Arg). This variant is not present in population databases (gnomAD no frequency). This variant has not been reported in the literature in individuals affected with OPA3-related conditions. An algorithm developed to predict the effect of missense changes on protein structure and function (PolyPhen-2) suggests that this variant is likely to be disruptive. In summary, the available evidence is currently insufficient to determine the role of this variant in disease. Therefore, it has been classified as a Variant of Uncertain Significance.

NM_025136.4(OPA3):c.170A>G (p.Lys57Arg)

Genes: OPA3 (outer mitochondrial membrane lipid metabolism regulator OPA3; minus strand), OPA3-RTN2 (OPA3-RTN2 readthrough; minus strand). Cytogenetic location: 19q13.32.
Variant type: single nucleotide variant.
Coding change: c.170A>G on transcript NM_025136.4 (MANE Select); coding-DNA position 170, A replaced by G.
Protein change: p.Lys57Arg; replaces lysine 57 with arginine.
Molecular consequence: missense variant. On other transcripts: intron variant (1).
Genome position (GRCh38, 1-based): chr19:45,553,884, T>C on the plus strand (A>G on the coding strand, the complement: OPA3 is on the minus strand). VCF-style: chr19-45553884-T-C. GRCh37 (hg19) VCF-style: chr19-46057142-T-C.
Other names: c.170A>G (NM_025136.3); c.143-24428A>G (NM_001017989.3); short protein forms K57R.
Identifiers: ClinVar variation 2924834 (VCV002924834.2), dbSNP rs890145652, ClinGen allele CA308959126.